The following is an entry in ClinVar:

ClinVar aggregate classification (germline): Uncertain significance (1 of 4 stars; one submission).

Conditions:
FGFR2-related craniosynostosis. Identifiers: MedGen CN231480.

Submission:

Labcorp Genetics (formerly Invitae), Labcorp
Classification: Uncertain significance for FGFR2-related craniosynostosis. Last evaluated: 2022-11-01. Review status: criteria provided, single submitter. Criteria: Invitae Variant Classification Sherloc (09022015). Collection method: clinical testing. Allele origin: germline.
Comment: This sequence change replaces cysteine, which is neutral and slightly polar, with serine, which is neutral and polar, at codon 554 of the FGFR2 protein (p.Cys554Ser). This variant is not present in population databases (gnomAD no frequency). This variant has not been reported in the literature in individuals affected with FGFR2-related conditions. Advanced modeling of protein sequence and biophysical properties (such as structural, functional, and spatial information, amino acid conservation, physicochemical variation, residue mobility, and thermodynamic stability) performed at Invitae indicates that this missense variant is expected to disrupt FGFR2 protein function. In summary, the available evidence is currently insufficient to determine the role of this variant in disease. Therefore, it has been classified as a Variant of Uncertain Significance.

NM_000141.5(FGFR2):c.1661G>C (p.Cys554Ser)

Gene: FGFR2 (fibroblast growth factor receptor 2; minus strand). Cytogenetic location: 10q26.13.
Variant type: single nucleotide variant.
Coding change: c.1661G>C on transcript NM_000141.5 (MANE Select); coding-DNA position 1661, G replaced by C.
Protein change: p.Cys554Ser; replaces cysteine 554 with serine.
Molecular consequence: missense variant. On other transcripts: non-coding transcript variant (1).
Genome position (GRCh38, 1-based): chr10:121,498,506, C>G on the plus strand (G>C on the coding strand, the complement: FGFR2 is on the minus strand). VCF-style: chr10-121498506-C-G. GRCh37 (hg19) VCF-style: chr10-123258020-C-G.
Other names: c.1664G>C, p.Cys555Ser (NM_001144913.1, NM_022970.4); c.1325G>C, p.Cys442Ser (NM_001144914.1); c.1394G>C, p.Cys465Ser (NM_001144915.2, NM_023029.3); c.1316G>C, p.Cys439Ser (NM_001144916.2); c.1313G>C, p.Cys438Ser (NM_001144917.2); c.1310G>C, p.Cys437Ser (NM_001144918.2); c.1397G>C, p.Cys466Ser (NM_001144919.2); c.977G>C, p.Cys326Ser (NM_001320654.2); and 1 more; short protein forms C326S, C437S, C438S, C439S, C442S, C465S, C466S, C552S.
Identifiers: ClinVar variation 1717833 (VCV001717833.5), dbSNP rs2133971764, ClinGen allele CA378321359.